The following is an entry in ClinVar:

ClinVar aggregate classification (germline): Uncertain significance (1 of 4 stars; one submission).

Submission:

Labcorp Genetics (formerly Invitae), Labcorp
Classification: Uncertain significance. Last evaluated: 2022-02-24. Review status: criteria provided, single submitter. Criteria: Invitae Variant Classification Sherloc (09022015). Collection method: clinical testing. Allele origin: germline.
Comment: Algorithms developed to predict the effect of missense changes on protein structure and function (SIFT, PolyPhen-2, Align-GVGD) all suggest that this variant is likely to be tolerated. In summary, the available evidence is currently insufficient to determine the role of this variant in disease. Therefore, it has been classified as a Variant of Uncertain Significance. This variant has not been reported in the literature in individuals affected with RGS9-related conditions. ClinVar contains an entry for this variant (Variation ID: 852776). This sequence change replaces proline, which is neutral and non-polar, with leucine, which is neutral and non-polar, at codon 492 of the RGS9 protein (p.Pro492Leu). This variant is not present in population databases (gnomAD no frequency).

NM_003835.4(RGS9):c.1475C>T (p.Pro492Leu)

Gene: RGS9 (regulator of G protein signaling 9; plus strand). Cytogenetic location: 17q24.1.
Variant type: single nucleotide variant.
Coding change: c.1475C>T on transcript NM_003835.4 (MANE Select); coding-DNA position 1475, C replaced by T.
Protein change: p.Pro492Leu; replaces proline 492 with leucine.
Molecular consequence: missense variant.
Genome position (GRCh38, 1-based): chr17:65,225,069, C>T. VCF-style: chr17-65225069-C-T. GRCh37 (hg19) VCF-style: chr17-63221187-C-T.
Other names: c.1466C>T, p.Pro489Leu (NM_001081955.3); short protein forms P492L, P489L.
Identifiers: ClinVar variation 852776 (VCV000852776.11), dbSNP rs1905574829, ClinGen allele CA400673355.
Genomic context (GRCh38, chr17:65,225,069, plus strand): 5'-AGCACATGGCTCCCAGCCCCCATCTGACCGTGTACACCGGGACCTGCATGCCCCCGTCTC[C>T]TTCTAGCCCCTTCTCCTCCTCCTGCCGCTCCCCCAGGAAGCCTTTCGCCTCACCCAGCCG-3'
Protein context (NP_003826.2, residues 482-502): VYTGTCMPPS[Pro492Leu]SSPFSSSCRS